The following is an entry in ClinVar:

NC_000001.11:g.(?_229431489)_(229433125_?)dup

Gene: ACTA1 (actin alpha 1, skeletal muscle; minus strand). Cytogenetic location: 1q42.13.
Variant type: Duplication.
Identifiers: ClinVar variation 831733 (VCV000831733.1).

ClinVar aggregate classification (germline): Uncertain significance (1 of 4 stars; one submission).

Conditions:
Actin accumulation myopathy (CMYO2A). Also called: CONGENITAL MYOPATHY 2A, TYPICAL, AUTOSOMAL DOMINANT; Myopathy, actin, congenital, with cores; Nemaline myopathy 3, with intranuclear rods; Nemaline myopathy type 3; Myopathy, actin, congenital, with excess of thin myofilaments. Identifiers: Orphanet 98904, MedGen C3711389, MONDO:0008070, OMIM 161800.

Submission:

Labcorp Genetics (formerly Invitae), Labcorp
Classification: Uncertain significance for Actin accumulation myopathy. Last evaluated: 2019-07-11. Review status: criteria provided, single submitter. Criteria: Invitae Variant Classification Sherloc (09022015). Collection method: clinical testing. Allele origin: germline.
Comment: This variant results in a copy number gain of the genomic region encompassing the full coding sequence of the ACTA1 gene. The boundaries of this event are unknown as they extend beyond the assayed region for this gene and therefore may encompass additional genes. As the precise location of this event is unknown, it may be in tandem or it may be located elsewhere in the genome. This variant has not been reported in the literature in individuals with ACTA1-related conditions. In summary, the available evidence is currently insufficient to determine the role of this variant in disease. Therefore, it has been classified as a Variant of Uncertain Significance.